The following is an entry in ClinVar:

ClinVar aggregate classification (germline): Uncertain significance (1 of 4 stars; one submission).

gnomAD v4.1: 5 of 1,614,178 alleles (0.00031%); highest among the groups gnomAD compares: Non-Finnish European, 0.00034%; no homozygotes.

Submission:

Labcorp Genetics (formerly Invitae), Labcorp
Classification: Uncertain significance. Last evaluated: 2024-02-08. Review status: criteria provided, single submitter. Criteria: Invitae Variant Classification Sherloc (09022015). Collection method: clinical testing. Allele origin: germline.
Comment: This sequence change replaces asparagine, which is neutral and polar, with serine, which is neutral and polar, at codon 78 of the LYZ protein (p.Asn78Ser). This variant is present in population databases (rs759489268, gnomAD 0.0009%). This variant has not been reported in the literature in individuals affected with LYZ-related conditions. An algorithm developed to predict the effect of missense changes on protein structure and function (PolyPhen-2) suggests that this variant is likely to be disruptive. In summary, the available evidence is currently insufficient to determine the role of this variant in disease. Therefore, it has been classified as a Variant of Uncertain Significance.

NM_000239.3(LYZ):c.233A>G (p.Asn78Ser)

Gene: LYZ (lysozyme; plus strand). Cytogenetic location: 12q15.
Variant type: single nucleotide variant.
Coding change: c.233A>G on transcript NM_000239.3 (MANE Select); coding-DNA position 233, A replaced by G.
Protein change: p.Asn78Ser; replaces asparagine 78 with serine.
Molecular consequence: missense variant.
Genome position (GRCh38, 1-based): chr12:69,350,204, A>G. VCF-style: chr12-69350204-A-G. GRCh37 (hg19) VCF-style: chr12-69743984-A-G.
Other names: short protein forms N78S.
Identifiers: ClinVar variation 3669644 (VCV003669644.2).
Genomic context (GRCh38, chr12:69,350,204, plus strand): 5'-CACGAGCTACAAACTACAATGCTGGAGACAGAAGCACTGATTATGGGATATTTCAGATCA[A>G]TAGCCGCTACTGGTGTAATGATGGCAAAACCCCAGGAGCAGTTAATGCCTGTCATTTATC-3'
Protein context (NP_000230.1, residues 68-88): RSTDYGIFQI[Asn78Ser]SRYWCNDGKT